The following is an entry in ClinVar:

NM_006662.3(SRCAP):c.3080C>T (p.Pro1027Leu)

Gene: SRCAP (Snf2 related CREBBP activator protein; plus strand). Cytogenetic location: 16p11.2.
Variant type: single nucleotide variant.
Coding change: c.3080C>T on transcript NM_006662.3 (MANE Select); coding-DNA position 3080, C replaced by T.
Protein change: p.Pro1027Leu; replaces proline 1027 with leucine.
Molecular consequence: missense variant.
Genome position (GRCh38, 1-based): chr16:30,720,805, C>T. VCF-style: chr16-30720805-C-T. GRCh37 (hg19) VCF-style: chr16-30732126-C-T.
Other names: short protein forms P1027L.
Identifiers: ClinVar variation 2800840 (VCV002800840.3), dbSNP rs570867665, ClinGen allele CA8011404.

ClinVar aggregate classification (germline): Uncertain significance (1 of 4 stars; one submission).

Allele frequency attached by ClinVar (database versions not stated): ExAC 0.00001; gnomAD 0.00001; TOPMed 0.00001; gnomAD exomes 0.00002; 1000 Genomes Project 30x 0.00016; 1000 Genomes Project 0.00020.
gnomAD v4.1: 34 of 1,614,104 alleles (0.0021%); highest among the groups gnomAD compares: Non-Finnish European, 0.0026%; no homozygotes.

Submission:

Labcorp Genetics (formerly Invitae), Labcorp
Classification: Uncertain significance. Last evaluated: 2023-02-21. Review status: criteria provided, single submitter. Criteria: Invitae Variant Classification Sherloc (09022015). Collection method: clinical testing. Allele origin: germline.
Comment: This sequence change replaces proline, which is neutral and non-polar, with leucine, which is neutral and non-polar, at codon 1027 of the SRCAP protein (p.Pro1027Leu). This variant is present in population databases (rs570867665, gnomAD 0.002%). This variant has not been reported in the literature in individuals affected with SRCAP-related conditions. Advanced modeling of protein sequence and biophysical properties (such as structural, functional, and spatial information, amino acid conservation, physicochemical variation, residue mobility, and thermodynamic stability) performed at Invitae indicates that this missense variant is not expected to disrupt SRCAP protein function. In summary, the available evidence is currently insufficient to determine the role of this variant in disease. Therefore, it has been classified as a Variant of Uncertain Significance.